The following is an entry in ClinVar:

NM_001080449.3(DNA2):c.587+12T>A

Gene: DNA2 (DNA replication helicase/nuclease 2; minus strand). Cytogenetic location: 10q21.3.
Variant type: single nucleotide variant.
Coding change: c.587+12T>A on transcript NM_001080449.3 (MANE Select); 12 bases into the intron after coding-DNA position 587, T replaced by A.
Molecular consequence: intron variant.
Genome position (GRCh38, 1-based): chr10:68,465,655, A>T on the plus strand (T>A on the coding strand, the complement: DNA2 is on the minus strand). VCF-style: chr10-68465655-A-T. GRCh37 (hg19) VCF-style: chr10-70225412-A-T.
Identifiers: ClinVar variation 3336541 (VCV003336541.1).
Genomic context (GRCh38, chr10:68,465,655, plus strand): 5'-AATACTTTATAGTTTCTAGGACAGAAGTTATATAATAAAATTATACCTGCAGTTCTTCTT[A>T]TAACTACTTACATTTCCTTCAAATGTCTTATTTCTTGAATTGTTTGAAAAGCAAGTTCTT-3'

ClinVar aggregate classification (germline): Likely benign (1 of 4 stars; one submission).

Submission:

Women's Health and Genetics/Laboratory Corporation of America, LabCorp
Classification: Likely benign. Last evaluated: 2024-05-16. Review status: criteria provided, single submitter. Criteria: LabCorp Variant Classification Summary - May 2015. Collection method: clinical testing. Allele origin: germline.
Comment: Variant summary: DNA2 c.587+12T>A alters a non-conserved nucleotide located at a position not widely known to affect splicing. Consensus agreement among computation tools predict no significant impact on normal splicing. However, these predictions have yet to be confirmed by functional studies. The variant was absent in 1562582 control chromosomes (gnomAD v4.1). The available data on variant occurrences in the general population are insufficient to allow any conclusion about variant significance. To our knowledge, no occurrence of c.587+12T>A in individuals affected with Progressive External Ophthalmoplegia With Mitochondrial DNA Deletions, Autosomal Dominant 6 and no experimental evidence demonstrating its impact on protein function have been reported. No submitters have cited clinical-significance assessments for this variant to ClinVar. Based on the evidence outlined above, the variant was classified as likely benign.